The following is an entry in ClinVar:

NM_003031.4(SIAH1):c.23dup (p.Leu9fs)

Genes: LONP2 (lon peptidase 2, peroxisomal; plus strand), SIAH1 (siah E3 ubiquitin protein ligase 1; minus strand). Cytogenetic location: 16q12.1.
Variant type: Duplication.
Coding change: c.23dup on transcript NM_003031.4 (MANE Select); coding-DNA position 23, one base duplicated (C; older notation c.23dupC).
Protein change: p.Leu9fs; shifts the reading frame from leucine 9.
Molecular consequence: frameshift variant. On other transcripts: 3 prime UTR variant (1).
Genome position (GRCh38, 1-based): chr16:48,362,406, G duplicated on the plus strand (C on the coding strand, the reverse complement: SIAH1 is on the minus strand). VCF-style (leftmost placement, unchanged base first): chr16-48362405-T-TG. GRCh37 (hg19) VCF-style: chr16-48396316-T-TG.
Other names: c.116dup, p.Leu40fs (NM_001006610.2); c.*810dup (NM_001348078.2); short protein forms L40fs, L9fs.
Identifiers: ClinVar variation 4072245 (VCV004072245.1).

ClinVar aggregate classification (germline): Likely pathogenic (1 of 4 stars; one submission).

Conditions:
Buratti-Harel syndrome. Identifiers: MedGen C5543351, MONDO:0859144, OMIM 619314.

Submission:

Pediatrics, Carlos Van Buren Hospital
Classification: Likely pathogenic for Buratti-Harel syndrome. Last evaluated: 2025-07-25. Review status: criteria provided, single submitter. Criteria: ACMG Guidelines, 2015. Collection method: clinical testing. Allele origin: de novo. Inheritance: Autosomal dominant inheritance. Affected: yes. Observed: 1 heterozygote.
Comment: In spite of nonsense mediated decay not being expected in our patient 's variant given its localization in the second exon of SIAH1, it is expected to modify aminoacid 40(Leu) for Ile and interrupt the protein 26 positions downstream at aminoacid 66 in its protein’s RING-type zinc finger domain. This is within the region where likely pathogenic/pathogenic truncating variants for BURHAS in public repositories and other reports (Buratti 2021,Douiev 2025). It hasn’t been described previously in the general population nor BURHAS patients, and like them, it occurred de novo. In summary, this variant meets ACMG criteria PVS1, PM2 and PS2 to be classified as likely pathogenic. However, we recognize that the mechanism of action of SIAH1 variants in BURHAS in not completely understood for now and that functional studies are still needed to confirm this hypothesis.

Literature cited by the submitters: PubMed 32430360; PubMed 40156476.